The following is an entry in ClinVar:

NM_000755.5(CRAT):c.1805G>T (p.Arg602Leu)

Gene: CRAT (carnitine O-acetyltransferase; minus strand). Cytogenetic location: 9q34.11.
Variant type: single nucleotide variant.
Coding change: c.1805G>T on transcript NM_000755.5 (MANE Select); coding-DNA position 1805, G replaced by T.
Protein change: p.Arg602Leu; replaces arginine 602 with leucine.
Molecular consequence: missense variant.
Genome position (GRCh38, 1-based): chr9:129,095,473, C>A on the plus strand (G>T on the coding strand, the complement: CRAT is on the minus strand). VCF-style: chr9-129095473-C-A. GRCh37 (hg19) VCF-style: chr9-131857752-C-A.
Other names: c.1742G>T, p.Arg581Leu (NM_001257363.3, NM_004003.4); c.1808G>T, p.Arg603Leu (NM_001346546.2); c.1733G>T, p.Arg578Leu (NM_001346547.2); c.1670G>T, p.Arg557Leu (NM_001346548.2); c.1685G>T, p.Arg562Leu (NM_001346549.2); short protein forms R578L, R557L, R581L, R602L, R603L, R562L.
Identifiers: ClinVar variation 4700706 (VCV004700706.1).
Genomic context (GRCh38, chr9:129,095,473, plus strand): 5'-GGGTGGCTCTGCAGCAGGGCACGCATGTCCAGGAGCGCCTTCTCCAGGTAATGCGCCAGG[C>A]GGGCGGCGTTGGTCTCCGCGCAGCTGTTGTAGGCCGACAGGGAGAAGTTGATGTGGGCCT-3'
Protein context (NP_000746.3, residues 592-612): YNSCAETNAA[Arg602Leu]LAHYLEKALL

ClinVar aggregate classification (germline): Uncertain significance (1 of 4 stars; one submission).

gnomAD v4.1: 35 of 1,613,322 alleles (0.0022%); highest among the groups gnomAD compares: Non-Finnish European, 0.0027%; no homozygotes.

Submission:

Labcorp Genetics (formerly Invitae), Labcorp
Classification: Uncertain significance. Last evaluated: 2025-07-15. Review status: criteria provided, single submitter. Criteria: Invitae Variant Classification Sherloc (09022015). Collection method: clinical testing. Allele origin: germline.
Comment: This sequence change replaces arginine, which is basic and polar, with leucine, which is neutral and non-polar, at codon 602 of the CRAT protein (p.Arg602Leu). This variant is present in population databases (rs753394063, gnomAD 0.003%). This variant has not been reported in the literature in individuals affected with CRAT-related conditions. Invitae Evidence Modeling of protein sequence and biophysical properties (such as structural, functional, and spatial information, amino acid conservation, physicochemical variation, residue mobility, and thermodynamic stability) indicates that this missense variant is not expected to disrupt CRAT protein function with a negative predictive value of 80%. In summary, the available evidence is currently insufficient to determine the role of this variant in disease. Therefore, it has been classified as a Variant of Uncertain Significance.